The following is an entry in ClinVar:

GRCh37/hg19 15q13.3(chr15:31223642-32446830)x1

Genes: CHRNA7 (cholinergic receptor nicotinic alpha 7 subunit), FAN1 (FANCD2 and FANCI associated nuclease 1; plus strand), KLF13 (KLF transcription factor 13; plus strand), MIR211 (microRNA 211; minus strand), MTMR10 (myotubularin related protein 10; minus strand) and 2 more. Cytogenetic location: 15q13.3.
Variant type: copy number loss.
Change: copy number 1 (one copy instead of two) of chr15:31,223,642-32,446,830 (1.22 Mb, GRCh37 coordinates, 1-based), cytogenetic band 15q13.3.
Identifiers: ClinVar variation 2685505 (VCV002685505.1).

ClinVar aggregate classification (germline): Pathogenic (1 of 4 stars; one submission).

Submission:

Quest Diagnostics Nichols Institute San Juan Capistrano
Classification: Pathogenic. Last evaluated: 2022-12-20. Review status: criteria provided, single submitter. Criteria: ACMG/ClinGen CNV Guidelines, 2019. Collection method: clinical testing. Allele origin: unknown.
Comment: This deletion encompasses the recurrent deletion interval (BP4-BP5, includes CHRNA7) associated with chromosome 15q13.3 deletion syndrome (OMIM 612001). The syndrome is associated with a broad range of clinical features (Gillentine et al., J Hum Genet. 2018 Jul;63(7):795-801., PMID: 29691480; Lowther et al., Genet Med. 2015 Feb;17(2):149-57. PMID: 25077648; Sharp, et. al, Nat Genet. 2008 Mar;40(3):322-8. PMID: 18278044; Hassfurther et al., Mol Syndromol. 2016 Feb;6(5):222-8. PMID: 26997942; Hoppman-Chaney et al., Clin Genet. 2013 Apr;83(4):345-51., PMID: 22775350). Inheritance from a normal or mildly affected parent has been reported, suggesting incomplete penetrance and variable expressivity. See GeneReviews for additional information and references.